The following is an entry in ClinVar:

ClinVar aggregate classification (germline): Uncertain significance. Review status: criteria provided, multiple submitters, no conflicts (2 of 4 stars). 3 submissions from 3 submitters: Uncertain significance (3). Last evaluated 2026-01-05.

Conditions:
Granulomatous disease, chronic, autosomal recessive, cytochrome b-positive, type 3. Also called: GRANULOMATOUS DISEASE, CHRONIC, AUTOSOMAL RECESSIVE, 3; GRANULOMATOUS DISEASE, CHRONIC, DUE TO NCF4 DEFICIENCY; Granulomatous disease, chronic, autosomal recessive, cytochrome b-positive, type III; CGD, AUTOSOMAL RECESSIVE CYTOCHROME b-POSITIVE, TYPE III. Identifiers: Orphanet 379, MedGen C3151409, MONDO:0013507, OMIM 613960.

Allele frequency attached by ClinVar (database versions not stated): TOPMed below 0.00001; gnomAD 0.00001; gnomAD exomes 0.00001 and 0.00002; ExAC 0.00002.
gnomAD v4.1: 30 of 1,613,802 alleles (0.0019%); highest among the groups gnomAD compares: Middle Eastern, 0.016%; no homozygotes.

Submissions (3):

Labcorp Genetics (formerly Invitae), Labcorp
Classification: Uncertain significance for Granulomatous disease, chronic, autosomal recessive, cytochrome b-positive, type 3. Last evaluated: 2026-01-05. Review status: criteria provided, single submitter. Criteria: Invitae Variant Classification Sherloc (09022015). Collection method: clinical testing. Allele origin: germline.
Comment: This sequence change replaces serine, which is neutral and polar, with leucine, which is neutral and non-polar, at codon 136 of the NCF4 protein (p.Ser136Leu). This variant is present in population databases (rs749322339, gnomAD 0.004%). This variant has not been reported in the literature in individuals affected with NCF4-related conditions. ClinVar contains an entry for this variant (Variation ID: 1325525). An algorithm developed to predict the effect of missense changes on protein structure and function (PolyPhen-2) suggests that this variant is likely to be disruptive. In summary, the available evidence is currently insufficient to determine the role of this variant in disease. Therefore, it has been classified as a Variant of Uncertain Significance.

Ambry Genetics
Classification: Uncertain significance. Last evaluated: 2024-09-03. Review status: criteria provided, single submitter. Criteria: Ambry Variant Classification Scheme 2023. Collection method: clinical testing. Allele origin: germline.

New York Genome Center
Classification: Uncertain significance for Granulomatous disease, chronic, autosomal recessive, cytochrome b-positive, type 3. Last evaluated: 2020-04-26. Review status: criteria provided, single submitter. Criteria: NYGC Assertion Criteria 2020. Collection method: clinical testing. Allele origin: germline. Observed: 1 heterozygote. Study: CSER-NYCKidSeq.

NM_000631.5(NCF4):c.407C>T (p.Ser136Leu)

Gene: NCF4 (neutrophil cytosolic factor 4; plus strand). Cytogenetic location: 22q12.3.
Variant type: single nucleotide variant.
Coding change: c.407C>T on transcript NM_000631.5 (MANE Select); coding-DNA position 407, C replaced by T.
Protein change: p.Ser136Leu; replaces serine 136 with leucine.
Molecular consequence: missense variant.
Genome position (GRCh38, 1-based): chr22:36,870,479, C>T. VCF-style: chr22-36870479-C-T. GRCh37 (hg19) VCF-style: chr22-37266521-C-T.
Other names: c.407C>T, p.Ser136Leu (NM_013416.4); short protein forms S136L.
Identifiers: ClinVar variation 1325525 (VCV001325525.4), dbSNP rs749322339, ClinGen allele CA10212983.